The following is an entry in ClinVar:

ClinVar aggregate classification (germline): Uncertain significance (1 of 4 stars; one submission).

Allele frequency attached by ClinVar (database versions not stated): TOPMed 0.00002.

Submission:

Women's Health and Genetics/Laboratory Corporation of America, LabCorp
Classification: Uncertain significance. Last evaluated: 2024-01-23. Review status: criteria provided, single submitter. Criteria: LabCorp Variant Classification Summary - May 2015. Collection method: clinical testing. Allele origin: germline.
Comment: Variant summary: F8 c.602G>A (p.Gly201Glu) results in a non-conservative amino acid change in the encoded protein sequence. Five of five in-silico tools predict a damaging effect of the variant on protein function. Consensus agreement among computation tools predict no significant impact on normal splicing. This conclusion is supported by at least one functional study in which the variant did not result in an altered mRNA sequence (Balestra_2019). The variant was absent in 182790 control chromosomes. c.602G>A has been reported in the literature in at least three individuals affected with Factor VIII Deficiency, two of whom were specified to as hemizygotes (Hemophilia A) (e.g., Djambas Khayat_2008, Wang_2019). These data indicate that the variant may be associated with disease. To our knowledge, no experimental evidence demonstrating an impact on protein function has been reported. The following publications have been ascertained in the context of this evaluation (PMID: 31649737, 18479430, 30839399). No submitters have cited clinical-significance assessments for this variant to ClinVar. Based on the evidence outlined above, the variant was classified as VUS-possibly pathogenic.

Literature cited by the submitters: PubMed 31649737; PubMed 18479430; PubMed 30839399.

NM_000132.4(F8):c.602G>A (p.Gly201Glu)

Gene: F8 (coagulation factor VIII; minus strand). Cytogenetic location: Xq28.
Variant type: single nucleotide variant.
Coding change: c.602G>A on transcript NM_000132.4 (MANE Select); coding-DNA position 602, G replaced by A.
Protein change: p.Gly201Glu; replaces glycine 201 with glutamic acid.
Molecular consequence: missense variant.
Genome position (GRCh38, 1-based): chrX:154,987,305, C>T on the plus strand (G>A on the coding strand, the complement: F8 is on the minus strand). VCF-style: chrX-154987305-C-T. GRCh37 (hg19) VCF-style: chrX-154215580-C-T.
Other names: short protein forms G201E.
Identifiers: ClinVar variation 3063640 (VCV003063640.1), dbSNP rs2073564555, ClinGen allele CA414919348.